The following is an entry in ClinVar:

NM_001377.3(DYNC2H1):c.7456G>A (p.Val2486Ile)

Gene: DYNC2H1 (dynein cytoplasmic 2 heavy chain 1; plus strand). Cytogenetic location: 11q22.3.
Variant type: single nucleotide variant.
Coding change: c.7456G>A on transcript NM_001377.3 (MANE Select); coding-DNA position 7456, G replaced by A.
Protein change: p.Val2486Ile; replaces valine 2486 with isoleucine.
Molecular consequence: missense variant.
Genome position (GRCh38, 1-based): chr11:103,191,535, G>A. VCF-style: chr11-103191535-G-A. GRCh37 (hg19) VCF-style: chr11-103062264-G-A.
Other names: c.7456G>A, p.Val2486Ile (NM_001080463.2); c.7456G>A (NM_001080463.1); short protein forms V2486I.
Identifiers: ClinVar variation 1025172 (VCV001025172.7), dbSNP rs568180989, ClinGen allele CA6254243.

ClinVar aggregate classification (germline): Uncertain significance. Review status: criteria provided, multiple submitters, no conflicts (2 of 4 stars). 2 submissions from 2 submitters: Uncertain significance (2). Last evaluated 2025-11-24.

Conditions:
Jeune thoracic dystrophy. Also called: Jeune syndrome; Infantile thoracic dystrophy; Thoracic pelvic phalangeal dystrophy; Jeune's syndrome; Chondroectodermal dysplasia-like syndrome; Short-rib thoracic dysplasia. Identifiers: Orphanet 474, MedGen C0265275, MONDO:0018770.
Inborn genetic diseases. Identifiers: MedGen C0950123, MeSH D030342.

Allele frequency attached by ClinVar (database versions not stated): ExAC 0.00004; gnomAD 0.00004; gnomAD exomes 0.00001; TOPMed 0.00001.
gnomAD v4.1: 20 of 1,607,154 alleles (0.0012%); highest among the groups gnomAD compares: African/African-American, 0.019%; no homozygotes.

Submissions (2):

Ambry Genetics
Classification: Uncertain significance for Inborn genetic diseases. Last evaluated: 2025-11-24. Review status: criteria provided, single submitter. Criteria: Ambry Variant Classification Scheme 2023. Collection method: clinical testing. Allele origin: germline.

Labcorp Genetics (formerly Invitae), Labcorp
Classification: Uncertain significance for Jeune thoracic dystrophy. Last evaluated: 2022-08-23. Review status: criteria provided, single submitter. Criteria: Invitae Variant Classification Sherloc (09022015). Collection method: clinical testing. Allele origin: germline.
Comment: This sequence change replaces valine, which is neutral and non-polar, with isoleucine, which is neutral and non-polar, at codon 2486 of the DYNC2H1 protein (p.Val2486Ile). This variant is present in population databases (rs568180989, gnomAD 0.02%). This variant has not been reported in the literature in individuals affected with DYNC2H1-related conditions. ClinVar contains an entry for this variant (Variation ID: 1025172). Advanced modeling of protein sequence and biophysical properties (such as structural, functional, and spatial information, amino acid conservation, physicochemical variation, residue mobility, and thermodynamic stability) performed at Invitae indicates that this missense variant is not expected to disrupt DYNC2H1 protein function. In summary, the available evidence is currently insufficient to determine the role of this variant in disease. Therefore, it has been classified as a Variant of Uncertain Significance.